The following is an entry in ClinVar:

NM_022095.4(ZNF335):c.3787G>T (p.Glu1263Ter)

Gene: ZNF335 (zinc finger protein 335; minus strand). Cytogenetic location: 20q13.12.
Variant type: single nucleotide variant.
Coding change: c.3787G>T on transcript NM_022095.4 (MANE Select); coding-DNA position 3787, G replaced by T.
Protein change: p.Glu1263Ter; replaces glutamic acid 1263 with a stop codon.
Molecular consequence: nonsense.
Genome position (GRCh38, 1-based): chr20:45,949,365, C>A on the plus strand (G>T on the coding strand, the complement: ZNF335 is on the minus strand). VCF-style: chr20-45949365-C-A. GRCh37 (hg19) VCF-style: chr20-44578004-C-A.
Other names: short protein forms E1263*.
Identifiers: ClinVar variation 375392 (VCV000375392.2), dbSNP rs749190523, ClinGen allele CA16044238.

ClinVar aggregate classification (germline): Pathogenic. Review status: criteria provided, single submitter (1 of 4 stars). 2 submissions from 2 submitters: Pathogenic (1). 1 of the submissions does not count toward it. Last evaluated 2017-12-31.

Conditions:
Microcephalic primordial dwarfism due to ZNF335 deficiency. Also called: Primary autosomal recessive microcephaly 10. Identifiers: Orphanet 329228, MedGen C3554499, MONDO:0014043, OMIM 615095.

Submissions (2):

Baylor Genetics
Classification: Pathogenic for Microcephalic primordial dwarfism due to ZNF335 deficiency. Last evaluated: 2017-12-31. Review status: criteria provided, single submitter. Criteria: ACMG Guidelines, 2015. Collection method: clinical testing. Allele origin: germline. Affected: yes.

Lupski Lab, Baylor-Hopkins CMG, Baylor College of Medicine
Classification: Pathogenic for Microcephalic primordial dwarfism due to ZNF335 deficiency. Review status: no assertion criteria provided. Collection method: research. Allele origin: germline. Inheritance: Autosomal recessive inheritance. Affected: yes. Not counted in ClinVar's aggregate classification.

Literature cited by the submitters: PubMed 28327206 (cited by Baylor Genetics).